The following is an entry in ClinVar:

NM_003036.4(SKI):c.6GGC[4] (p.Ala5dup)

Gene: SKI (SKI proto-oncogene; plus strand). Cytogenetic location: 1p36.33.
Variant type: Microsatellite.
Coding change: c.6GGC[4] on transcript NM_003036.4 (MANE Select); four copies in a row of the 3-base unit GGC starting at c.6; the reference has three copies in a row; one copy, 3 bases duplicated.
Protein change: p.Ala5dup; duplicates alanine 5.
Molecular consequence: inframe insertion.
Genome position (GRCh38, 1-based): chr1:2,228,778-2,228,780, GGC duplicated; duplicating any 3 consecutive bases within chr1:2,228,772-2,228,780 gives the same sequence; the position shown is the placement nearest the transcript's 3' end. VCF-style (leftmost placement, unchanged base first): chr1-2228771-A-AGGC. GRCh37 (hg19) VCF-style: chr1-2160210-A-AGGC.
Identifiers: ClinVar variation 1009228 (VCV001009228.8), dbSNP rs1638560188, ClinGen allele CA1149545379.

ClinVar aggregate classification (germline): Uncertain significance (1 of 4 stars; one submission).

Conditions:
Shprintzen-Goldberg syndrome (SGS). Also called: SHPRINTZEN-GOLDBERG CRANIOSYNOSTOSIS SYNDROME; CRANIOSYNOSTOSIS WITH ARACHNODACTYLY AND ABDOMINAL HERNIAS; Marfanoid disorder with craniosynostosis type 1; Marfanoid craniosynostosis syndrome; Shprintzen-Goldberg marfanoid syndrome. Identifiers: Orphanet 2462, MedGen C1321551, MONDO:0008426, OMIM 182212.

Submission:

Labcorp Genetics (formerly Invitae), Labcorp
Classification: Uncertain significance for Shprintzen-Goldberg syndrome. Last evaluated: 2020-08-03. Review status: criteria provided, single submitter. Criteria: Invitae Variant Classification Sherloc (09022015). Collection method: clinical testing. Allele origin: germline.
Comment: The frequency data for this variant in the population databases is considered unreliable, as metrics indicate insufficient coverage at this position in the ExAC database. In summary, the available evidence is currently insufficient to determine the role of this variant in disease. Therefore, it has been classified as a Variant of Uncertain Significance. Experimental studies and prediction algorithms are not available or were not evaluated, and the functional significance of this variant is currently unknown. This variant has not been reported in the literature in individuals with SKI-related conditions. This variant, c.12_14dup, results in the insertion of 1 amino acid(s) to the SKI protein (p.Ala5dup), but otherwise preserves the integrity of the reading frame.